The following is an entry in ClinVar:

NC_000009.11:g.(?_117164359)_(117267737_?)dup

Gene: WHRN (whirlin; minus strand). Cytogenetic location: 9q32.
Variant type: Duplication.
Identifiers: ClinVar variation 1677068 (VCV001677068.1).

ClinVar aggregate classification (germline): Uncertain significance (1 of 4 stars; one submission).

Submission:

Women's Health and Genetics/Laboratory Corporation of America, LabCorp
Classification: Uncertain significance. Last evaluated: 2022-03-09. Review status: criteria provided, single submitter. Criteria: LabCorp Variant Classification Summary - May 2015. Collection method: clinical testing. Allele origin: germline.
Comment: Variant summary: The variant identified by MLPA or other technology involves the duplication of the entire WHRN gene. A presumed nomenclature of c.(?_-656)_(*675_?)dup has been designated for the purposes of this classification. It has been assumed that this is a tandem duplication in direct orientation (Richardson_GIM_2018, Newman_AJHG_2015). A duplication of a 506Kb genomic region encompassing the entire WHRN gene and neighboring genes was found at a frequency of 0.00032 in 21694 control chromosomes (gnomAD, Structural Variants dataset). The available data on variant occurrences in the general population are insufficient to allow any conclusion about variant significance. To our knowledge, no occurrence of c.(?_-656)_(*675_?)dup in individuals affected with Usher Syndrome and no experimental evidence demonstrating its impact on protein function have been reported. Two ClinVar submitters (evaluation after 2014) cite the variant as uncertain significance. Based on the evidence outlined above, the variant was classified as uncertain significance.